The following is an entry in ClinVar:

NM_199420.4(POLQ):c.602T>C (p.Leu201Pro)

Gene: POLQ (DNA polymerase theta; minus strand). Cytogenetic location: 3q13.33.
Variant type: single nucleotide variant.
Coding change: c.602T>C on transcript NM_199420.4 (MANE Select); coding-DNA position 602, T replaced by C.
Protein change: p.Leu201Pro; replaces leucine 201 with proline.
Molecular consequence: missense variant.
Genome position (GRCh38, 1-based): chr3:121,539,462, A>G on the plus strand (T>C on the coding strand, the complement: POLQ is on the minus strand). VCF-style: chr3-121539462-A-G. GRCh37 (hg19) VCF-style: chr3-121258309-A-G.
Other names: short protein forms L201P.
Identifiers: ClinVar variation 1751177 (VCV001751177.3), dbSNP rs778879249, ClinGen allele CA2563770.
Genomic context (GRCh38, chr3:121,539,462, plus strand): 5'-AAAGTATTTACTTATTTTCTAACTTTCTTACCTAACAGATCCATCTTATTTTCCTCTATG[A>G]GGCGATTGATCAGACCATTGGCTCTCTCAATTGTGCAGACTGCAATATCCAATGAAGAGA-3'
Protein context (NP_955452.3, residues 191-211): IERANGLINR[Leu201Pro]IEENKMDLLG

ClinVar aggregate classification (germline): Uncertain significance (1 of 4 stars; one submission).

Allele frequency attached by ClinVar (database versions not stated): ExAC 0.00001; gnomAD exomes 0.00001; gnomAD 0.00003; TOPMed 0.00003.
gnomAD v4.1: 17 of 1,608,596 alleles (0.0011%); highest among the groups gnomAD compares: Non-Finnish European, 0.0014%; no homozygotes.

Submission:

Ambry Genetics
Classification: Uncertain significance. Last evaluated: 2023-06-24. Review status: criteria provided, single submitter. Criteria: Ambry Variant Classification Scheme 2023. Collection method: clinical testing. Allele origin: germline.
Comment: The p.L201P variant (also known as c.602T>C), located in coding exon 4 of the POLQ gene, results from a T to C substitution at nucleotide position 602. The leucine at codon 201 is replaced by proline, an amino acid with similar properties. This amino acid position is conserved. In addition, this alteration is predicted to be deleterious by in silico analysis. Since supporting evidence is limited at this time, the clinical significance of this alteration remains unclear.